The following is an entry in ClinVar:

NM_000439.5(PCSK1):c.1002C>A (p.Ala334=)

Genes: CAST (calpastatin; plus strand), PCSK1 (proprotein convertase subtilisin/kexin type 1; minus strand), LOC101929710 (uncharacterized LOC101929710; plus strand). Cytogenetic location: 5q15.
Variant type: single nucleotide variant.
Coding change: c.1002C>A on transcript NM_000439.5 (MANE Select); coding-DNA position 1002, C replaced by A.
Protein change: p.Ala334=; no amino-acid change (alanine 334 retained).
Molecular consequence: synonymous variant. On other transcripts: intron variant (11).
Genome position (GRCh38, 1-based): chr5:96,410,867, G>T on the plus strand (C>A on the coding strand, the complement: PCSK1 is on the minus strand). VCF-style: chr5-96410867-G-T. GRCh37 (hg19) VCF-style: chr5-95746571-G-T.
Other names: c.861C>A, p.Ala287= (NM_001177875.2); c.-175+31215G>T (NM_001423254.1, NM_001423259.1, NM_001423255.1 and 6 more transcripts); c.-103+31215G>T (NM_001423253.1); c.-40+31215G>T (NM_001423258.1).
Identifiers: ClinVar variation 3349904 (VCV003349904.1).
Genomic context (GRCh38, chr5:96,410,867, plus strand): 5'-AGAGGTGGCCAGTGTGGAGGAGCACTTCTCAGCGTACCAGGGGGATAGGCCTTGCTGGGA[G>T]GCACTGCTGATGGAGATGGTGTAGATGCTGTCTGTGTAGCCATCACAGTCACAATTATCT-3'
Protein context (NP_000430.3, residues 324-344): DSIYTISISS[Ala334=]SQQGLSPWYA

ClinVar aggregate classification (germline): Likely benign (0 of 4 stars; one submission).

Conditions:
PCSK1-related disorder. Also called: PCSK1-related condition.

Submission:

PreventionGenetics, part of Exact Sciences
Classification: Likely benign for PCSK1-related condition. Last evaluated: 2024-03-22. Review status: no assertion criteria provided. Collection method: clinical testing. Allele origin: germline.
Comment: This variant is classified as likely benign based on ACMG/AMP sequence variant interpretation guidelines (Richards et al. 2015 PMID: 25741868, with internal and published modifications).